The following is an entry in ClinVar:

ClinVar aggregate classification (germline): Conflicting classifications of pathogenicity. Review status: criteria provided, conflicting classifications (1 of 4 stars). 6 submissions from 6 submitters: Uncertain significance (4); Likely benign (1). 1 of the submissions does not count toward it. Last evaluated 2026-04-30.

Conditions:
Becker muscular dystrophy (BMD). Also called: MUSCULAR DYSTROPHY, PSEUDOHYPERTROPHIC PROGRESSIVE, BECKER TYPE; Becker Muscular Dystrophy (BMD). Identifiers: Orphanet 98895, MedGen C0917713, MONDO:0010311, OMIM 300376.
Dilated cardiomyopathy 3B (CMD3B). Also called: CMD3B: DMD-Related Dilated Cardiomyopathy; CARDIOMYOPATHY, DILATED, X-LINKED; DMD-Associated Dilated Cardiomyopathy. Identifiers: Orphanet 154, MedGen C3668940, MONDO:0010542, OMIM 302045.
Duchenne muscular dystrophy (DMD). Also called: MUSCULAR DYSTROPHY, PSEUDOHYPERTROPHIC PROGRESSIVE, DUCHENNE TYPE; Duchenne Muscular Dystrophy (DMD). Identifiers: Orphanet 98896, MedGen C0013264, MONDO:0010679, OMIM 310200.
Cardiovascular phenotype. Identifiers: MedGen CN230736.
Cardiomyopathy (CMYO). Also called: Cardiomyopathies. Identifiers: Orphanet 167848, MedGen C0878544, MONDO:0004994, HP:0001638. Inheritance: Various modes of inheritance.
Dystrophin deficiency.

gnomAD v4.1: 57 of 1,211,595 alleles (0.0047%); highest among the groups gnomAD compares: Non-Finnish European, 0.0064%; no homozygotes.

Submissions (6):

Ambry Genetics
Classification: Likely benign for Cardiovascular phenotype. Last evaluated: 2026-04-30. Review status: criteria provided, single submitter. Criteria: Ambry Variant Classification Scheme 2023. Collection method: clinical testing. Allele origin: germline.

Labcorp Genetics (formerly Invitae), Labcorp
Classification: Uncertain significance for Duchenne muscular dystrophy. Last evaluated: 2024-08-08. Review status: criteria provided, single submitter. Criteria: Invitae Variant Classification Sherloc (09022015). Collection method: clinical testing. Allele origin: germline.
Comment: This sequence change replaces glycine, which is neutral and non-polar, with glutamic acid, which is acidic and polar, at codon 366 of the DMD protein (p.Gly366Glu). This variant is present in population databases (rs763144501, gnomAD 0.002%). This missense change has been observed in individual(s) with clinical features of DMD-related conditions (Invitae). ClinVar contains an entry for this variant (Variation ID: 499974). Advanced modeling of protein sequence and biophysical properties (such as structural, functional, and spatial information, amino acid conservation, physicochemical variation, residue mobility, and thermodynamic stability) performed at Invitae indicates that this missense variant is not expected to disrupt DMD protein function with a negative predictive value of 95%. In summary, the available evidence is currently insufficient to determine the role of this variant in disease. Therefore, it has been classified as a Variant of Uncertain Significance.

Revvity Omics, Revvity
Classification: Uncertain significance. Last evaluated: 2023-03-13. Review status: criteria provided, single submitter. Criteria: ACMG Guidelines, 2015. Collection method: clinical testing. Allele origin: germline.

Fulgent Genetics
Classification: Uncertain significance for Becker muscular dystrophy; Dilated cardiomyopathy 3B; Duchenne muscular dystrophy. Last evaluated: 2021-09-24. Review status: criteria provided, single submitter. Criteria: ACMG Guidelines, 2015. Collection method: clinical testing. Allele origin: unknown.

Eurofins Ntd Llc (ga)
Classification: Uncertain significance. Last evaluated: 2017-01-19. Review status: criteria provided, single submitter. Criteria: EGL Classification Definitions 2015. Collection method: clinical testing. Allele origin: germline. Observed: 1 variant allele, 1 hemizygote.

Natera, Inc.
Classification: Uncertain significance for Becker muscular dystrophy; Cardiomyopathy; Duchenne muscular dystrophy; Dystrophin deficiency. Last evaluated: 2018-10-10. Review status: no assertion criteria provided. Collection method: clinical testing. Allele origin: germline. Not counted in ClinVar's aggregate classification.

NM_004006.3(DMD):c.1097G>A (p.Gly366Glu)

Gene: DMD (dystrophin; minus strand). Cytogenetic location: Xp21.1.
Variant type: single nucleotide variant.
Coding change: c.1097G>A on transcript NM_004006.3 (MANE Select); coding-DNA position 1097, G replaced by A.
Protein change: p.Gly366Glu; replaces glycine 366 with glutamic acid.
Molecular consequence: missense variant.
Genome position (GRCh38, 1-based): chrX:32,645,016, C>T on the plus strand (G>A on the coding strand, the complement: DMD is on the minus strand). VCF-style: chrX-32645016-C-T. GRCh37 (hg19) VCF-style: chrX-32663133-C-T.
Other names: c.1073G>A, p.Gly358Glu (NM_000109.4); c.1085G>A, p.Gly362Glu (NM_004009.3); c.728G>A, p.Gly243Glu (NM_004010.3); short protein forms G366E, G243E, G362E, G358E.
Identifiers: ClinVar variation 499974 (VCV000499974.14), dbSNP rs763144501, ClinGen allele CA10379973.